The following is an entry in ClinVar:

ClinVar aggregate classification (germline): Likely benign. Review status: criteria provided, multiple submitters, no conflicts (2 of 4 stars). 4 submissions from 4 submitters: Likely benign (3). 1 of the submissions does not count toward it. Last evaluated 2025-07-19.

Conditions:
Cardiovascular phenotype. Identifiers: MedGen CN230736.
TTN-related disorder. Also called: TTN-related condition; TTN-related disease; TTN-related disorders.
Dilated cardiomyopathy 1G (CMD1G). Identifiers: Orphanet 154, MedGen C1858763, MONDO:0011400, OMIM 604145.
Autosomal recessive limb-girdle muscular dystrophy type 2J (LGMDR10). Also called: Limb-girdle muscular dystrophy, type 2J; MUSCULAR DYSTROPHY, LIMB-GIRDLE, AUTOSOMAL RECESSIVE 10. Identifiers: Orphanet 140922, MedGen C1837342, MONDO:0012127, OMIM 608807.

Allele frequency attached by ClinVar (database versions not stated): gnomAD exomes below 0.00001 and 0.00001; gnomAD 0.00001; TOPMed 0.00002.
gnomAD v4.1: 14 of 1,613,624 alleles (0.00087%); highest among the groups gnomAD compares: African/African-American, 0.004%; no homozygotes.

Submissions (4):

Labcorp Genetics (formerly Invitae), Labcorp
Classification: Likely benign for Dilated cardiomyopathy 1G; Autosomal recessive limb-girdle muscular dystrophy type 2J. Last evaluated: 2025-07-19. Review status: criteria provided, single submitter. Criteria: Invitae Variant Classification Sherloc (09022015). Collection method: clinical testing. Allele origin: germline.

Blueprint Genetics
Classification: Likely benign. Last evaluated: 2024-07-05. Review status: criteria provided, single submitter. Criteria: ACMG Guidelines, 2015. Collection method: clinical testing. Allele origin: germline.

Ambry Genetics
Classification: Likely benign for Cardiovascular phenotype. Last evaluated: 2019-11-20. Review status: criteria provided, single submitter. Criteria: Ambry Variant Classification Scheme 2023. Collection method: clinical testing. Allele origin: germline.

PreventionGenetics, part of Exact Sciences
Classification: Likely benign for TTN-related condition. Last evaluated: 2022-08-05. Review status: no assertion criteria provided. Collection method: clinical testing. Allele origin: germline. Not counted in ClinVar's aggregate classification.
Comment: This variant is classified as likely benign based on ACMG/AMP sequence variant interpretation guidelines (Richards et al. 2015 PMID: 25741868, with internal and published modifications).

NM_001267550.2(TTN):c.12600G>A (p.Glu4200=)

Gene: TTN (titin; minus strand). Cytogenetic location: 2q31.2.
Variant type: single nucleotide variant.
Coding change: c.12600G>A on transcript NM_001267550.2 (MANE Select); coding-DNA position 12600, G replaced by A.
Protein change: p.Glu4200=; no amino-acid change (glutamic acid 4200 retained).
Molecular consequence: synonymous variant. On other transcripts: intron variant (1).
Genome position (GRCh38, 1-based): chr2:178,740,633, C>T on the plus strand (G>A on the coding strand, the complement: TTN is on the minus strand). VCF-style: chr2-178740633-C-T. GRCh37 (hg19) VCF-style: chr2-179605360-C-T.
Other names: c.11649G>A, p.Glu3883= (NM_001256850.1); c.11511G>A, p.Glu3837= (NM_003319.4); c.11886G>A, p.Glu3962= (NM_133432.3); c.12087G>A, p.Glu4029= (NM_133437.4); c.10361-2273G>A (NM_133378.4).
Identifiers: ClinVar variation 1121993 (VCV001121993.14), dbSNP rs1028167182, ClinGen allele CA60984148.